The following is an entry in ClinVar:

ClinVar aggregate classification (germline): Uncertain significance (1 of 4 stars; one submission).

Conditions:
Hereditary cancer-predisposing syndrome. Also called: Neoplastic Syndromes, Hereditary; Tumor predisposition; Hereditary Cancer Syndrome; Hereditary neoplastic syndrome. Identifiers: Orphanet 140162, MedGen C0027672, MeSH D009386, MONDO:0015356.

Submission:

Ambry Genetics
Classification: Uncertain significance for Hereditary cancer-predisposing syndrome. Last evaluated: 2021-10-12. Review status: criteria provided, single submitter. Criteria: Ambry Variant Classification Scheme 2023. Collection method: clinical testing. Allele origin: germline.
Comment: The p.T626P variant (also known as c.1876A>C), located in coding exon 14 of the APC gene, results from an A to C substitution at nucleotide position 1876. The threonine at codon 626 is replaced by proline, an amino acid with highly similar properties. This amino acid position is highly conserved in available vertebrate species. In addition, in silico predictors for this gene do not accurately predict pathogenicity. Since supporting evidence is limited at this time, the clinical significance of this alteration remains unclear.

NM_000038.6(APC):c.1876A>C (p.Thr626Pro)

Gene: APC (APC regulator of Wnt signaling pathway; plus strand). Cytogenetic location: 5q22.2.
Variant type: single nucleotide variant.
Coding change: c.1876A>C on transcript NM_000038.6 (MANE Select); coding-DNA position 1876, A replaced by C.
Protein change: p.Thr626Pro; replaces threonine 626 with proline.
Molecular consequence: missense variant.
Genome position (GRCh38, 1-based): chr5:112,835,083, A>C. VCF-style: chr5-112835083-A-C. GRCh37 (hg19) VCF-style: chr5-112170780-A-C.
Other names: c.1876A>C, p.Thr626Pro (NM_001127510.3, NM_001354895.2, NM_001407450.1); c.1822A>C, p.Thr608Pro (NM_001127511.3); c.1930A>C, p.Thr644Pro (NM_001354896.2, NM_001407447.1, NM_001407448.1 and 1 more transcripts); c.1906A>C, p.Thr636Pro (NM_001354897.2); c.1801A>C, p.Thr601Pro (NM_001354898.2); c.1792A>C, p.Thr598Pro (NM_001354899.2); c.1753A>C, p.Thr585Pro (NM_001354900.2); c.1699A>C, p.Thr567Pro (NM_001354901.2, NM_001407453.1); and 11 more; short protein forms T242P, T466P, T500P, T525P, T567P, T585P, T608P, T343P.
Identifiers: ClinVar variation 1781776 (VCV001781776.2), dbSNP rs771748555, ClinGen allele CA16025422.
Genomic context (GRCh38, chr5:112,835,083, plus strand): 5'-ATATGTGCTGTAGATGGTGCACTTGCATTTTTGGTTGGCACTCTTACTTACCGGAGCCAG[A>C]CAAACACTTTAGCCATTATTGAAAGTGGAGGTGGGATATTACGGAATGTGTCCAGCTTGA-3'
Protein context (NP_000029.2, residues 616-636): LVGTLTYRSQ[Thr626Pro]NTLAIIESGG